The following is an entry in ClinVar:

ClinVar aggregate classification (germline): Uncertain significance (1 of 4 stars; one submission).

Submission:

Labcorp Genetics (formerly Invitae), Labcorp
Classification: Uncertain significance. Last evaluated: 2024-10-25. Review status: criteria provided, single submitter. Criteria: Invitae Variant Classification Sherloc (09022015). Collection method: clinical testing. Allele origin: germline.
Comment: This sequence change replaces alanine, which is neutral and non-polar, with serine, which is neutral and polar, at codon 1489 of the CACNA1E protein (p.Ala1489Ser). This variant is not present in population databases (gnomAD no frequency). This variant has not been reported in the literature in individuals affected with CACNA1E-related conditions. ClinVar contains an entry for this variant (Variation ID: 1716176). Invitae Evidence Modeling of protein sequence and biophysical properties (such as structural, functional, and spatial information, amino acid conservation, physicochemical variation, residue mobility, and thermodynamic stability) has been performed for this missense variant. However, the output from this modeling did not meet the statistical confidence thresholds required to predict the impact of this variant on CACNA1E protein function. In summary, the available evidence is currently insufficient to determine the role of this variant in disease. Therefore, it has been classified as a Variant of Uncertain Significance.

NM_001205293.3(CACNA1E):c.4465G>T (p.Ala1489Ser)

Gene: CACNA1E (calcium voltage-gated channel subunit alpha1 E; plus strand). Cytogenetic location: 1q25.3.
Variant type: single nucleotide variant.
Coding change: c.4465G>T on transcript NM_001205293.3 (MANE Select); coding-DNA position 4465, G replaced by T.
Protein change: p.Ala1489Ser; replaces alanine 1489 with serine.
Molecular consequence: missense variant.
Genome position (GRCh38, 1-based): chr1:181,758,082, G>T. VCF-style: chr1-181758082-G-T. GRCh37 (hg19) VCF-style: chr1-181727218-G-T.
Other names: c.4465G>T, p.Ala1489Ser (NM_000721.4); c.4408G>T, p.Ala1470Ser (NM_001205294.2); short protein forms A1470S, A1489S.
Identifiers: ClinVar variation 1716176 (VCV001716176.6), dbSNP rs1188254439, ClinGen allele CA343625219.
Genomic context (GRCh38, chr1:181,758,082, plus strand): 5'-TACCGCGTGTGGCACTTTGTGGTGTCTCCGTCCTTTGAGTACACCATTATGGCCATGATC[G>T]CCTTGAATACTGTTGTGCTGATGATGAAGGTGAGAGGAGAGAGGCACAAGAGCCGACTGA-3'
Protein context (NP_001192222.1, residues 1479-1499): SFEYTIMAMI[Ala1489Ser]LNTVVLMMKY